The following is an entry in ClinVar:

ClinVar aggregate classification (germline): Uncertain significance (1 of 4 stars; one submission).

Conditions:
Hypertrophic cardiomyopathy. Also called: HYPERTROPHIC MYOCARDIOPATHY. Identifiers: Orphanet 217569, MedGen C0007194, MeSH D002312, MONDO:0005045, HP:0001639.

Submission:

Labcorp Genetics (formerly Invitae), Labcorp
Classification: Uncertain significance for Hypertrophic cardiomyopathy. Last evaluated: 2022-12-16. Review status: criteria provided, single submitter. Criteria: Invitae Variant Classification Sherloc (09022015). Collection method: clinical testing. Allele origin: germline.
Comment: In summary, the available evidence is currently insufficient to determine the role of this variant in disease. Therefore, it has been classified as a Variant of Uncertain Significance. This variant has not been reported in the literature in individuals affected with TPM1-related conditions. This variant is not present in population databases (gnomAD no frequency). This sequence change creates a premature translational stop signal (p.Glu72*) in the TPM1 gene. It is expected to result in an absent or disrupted protein product. However, the current clinical and genetic evidence is not sufficient to establish whether loss-of-function variants in TPM1 cause disease.

NM_001018005.2(TPM1):c.214G>T (p.Glu72Ter)

Gene: TPM1 (tropomyosin 1; plus strand). Cytogenetic location: 15q22.2.
Variant type: single nucleotide variant.
Coding change: c.214G>T on transcript NM_001018005.2 (MANE Select); coding-DNA position 214, G replaced by T.
Protein change: p.Glu72Ter; replaces glutamic acid 72 with a stop codon.
Molecular consequence: nonsense. On other transcripts: non-coding transcript variant (12), intron variant (10).
Genome position (GRCh38, 1-based): chr15:63,044,126, G>T. VCF-style: chr15-63044126-G-T. GRCh37 (hg19) VCF-style: chr15-63336325-G-T.
Other names: c.214G>T, p.Glu72Ter (NM_000366.6, NM_001018004.2, NM_001018006.2 and 10 more transcripts); c.340G>T, p.Glu114Ter (NM_001365778.1, NM_001407322.1, NM_001407323.1 and 1 more transcripts); c.240+295G>T (NM_001407336.1, NM_001018020.2, NM_001407338.1 and 7 more transcripts); short protein forms E72*, E114*.
Identifiers: ClinVar variation 2821495 (VCV002821495.3), dbSNP rs1566937844, ClinGen allele CA392718695.
Genomic context (GRCh38, chr15:63,044,126, plus strand): 5'-GGCACCGAAGATGAACTGGACAAATACTCTGAGGCTCTCAAAGATGCCCAGGAGAAGCTG[G>T]AGCTGGCAGAGAAAAAGGCCACCGATGTAAGTGCACGCTCACACTGCTTCCCTCACCTCT-3'